The following is an entry in ClinVar:

ClinVar aggregate classification (germline): Conflicting classifications of pathogenicity. Review status: criteria provided, conflicting classifications (1 of 4 stars). 2 submissions from 2 submitters: Uncertain significance (1); Likely benign (1). Last evaluated 2025-09-03.

Conditions:
Inborn genetic diseases. Identifiers: MedGen C0950123, MeSH D030342.
Pyruvate dehydrogenase E1-alpha deficiency (PDHAD). Also called: Ataxia, intermittent, with pyruvate dehydrogenase, or decarboxylase, deficiency; ATAXIA, INTERMITTENT, WITH PYRUVATE DEHYDROGENASE DEFICIENCY; ATAXIA WITH LACTIC ACIDOSIS I; ATAXIA, INTERMITTENT, WITH ABNORMAL PYRUVATE METABOLISM. Identifiers: Orphanet 79243, MedGen C1839413, MONDO:0010717, OMIM 312170.

Allele frequency attached by ClinVar (database versions not stated): gnomAD 0.00001; TOPMed 0.00001; ExAC 0.00002; gnomAD exomes 0.00002.
gnomAD v4.1: 31 of 1,188,599 alleles (0.0026%); highest among the groups gnomAD compares: South Asian, 0.0035%; no homozygotes.

Submissions (2):

Labcorp Genetics (formerly Invitae), Labcorp
Classification: Likely benign for Pyruvate dehydrogenase E1-alpha deficiency. Last evaluated: 2025-09-03. Review status: criteria provided, single submitter. Criteria: Invitae Variant Classification Sherloc (09022015). Collection method: clinical testing. Allele origin: germline.

Ambry Genetics
Classification: Uncertain significance for Inborn genetic diseases. Last evaluated: 2021-10-09. Review status: criteria provided, single submitter. Criteria: Ambry Variant Classification Scheme 2023. Collection method: clinical testing. Allele origin: germline.
Comment: The c.899+4C>T intronic alteration consists of a C to T substitution nucleotides after coding exon 9 in the PDHA1 gene. Based on insufficient or conflicting evidence, the clinical significance of this alteration remains unclear.

NM_000284.4(PDHA1):c.899+4C>T

Gene: PDHA1 (pyruvate dehydrogenase E1 subunit alpha 1; plus strand). Cytogenetic location: Xp22.12.
Variant type: single nucleotide variant.
Coding change: c.899+4C>T on transcript NM_000284.4 (MANE Select); 4 bases into the intron after coding-DNA position 899, C replaced by T.
Molecular consequence: intron variant.
Genome position (GRCh38, 1-based): chrX:19,357,723, C>T. VCF-style: chrX-19357723-C-T. GRCh37 (hg19) VCF-style: chrX-19375841-C-T.
Other names: c.1013+4C>T (NM_001173454.2); c.920+4C>T (NM_001173455.2); c.806+4C>T (NM_001173456.2); c.899+4C>T (NM_000284.3).
Identifiers: ClinVar variation 1133788 (VCV001133788.10), dbSNP rs749903004, ClinGen allele CA10363142.